The following is an entry in ClinVar:

ClinVar aggregate classification (germline): Likely benign. Review status: criteria provided, multiple submitters, no conflicts (2 of 4 stars). 3 submissions from 3 submitters: Likely benign (2). 1 of the submissions does not count toward it. Last evaluated 2025-02-24.

Conditions:
DNAH11-related disorder. Also called: DNAH11-related condition.
Primary ciliary dyskinesia. Also called: Ciliary dyskinesia. Identifiers: Orphanet 244, MedGen C0008780, MONDO:0016575, HP:0012265.

Allele frequency attached by ClinVar (database versions not stated): gnomAD exomes 0.00005 and 0.00029; TOPMed 0.00008; gnomAD 0.00009; ExAC 0.00012; ESP Exome Variant Server 0.00025.
gnomAD v4.1: 419 of 1,590,608 alleles (0.026%); highest among the groups gnomAD compares: Non-Finnish European, 0.035%; 1 homozygote.

Submissions (3):

Labcorp Genetics (formerly Invitae), Labcorp
Classification: Likely benign for Primary ciliary dyskinesia. Last evaluated: 2025-02-24. Review status: criteria provided, single submitter. Criteria: Invitae Variant Classification Sherloc (09022015). Collection method: clinical testing. Allele origin: germline.

Ambry Genetics
Classification: Likely benign for Primary ciliary dyskinesia. Last evaluated: 2025-01-14. Review status: criteria provided, single submitter. Criteria: Ambry Variant Classification Scheme 2023. Collection method: clinical testing. Allele origin: germline.

PreventionGenetics, part of Exact Sciences
Classification: Likely benign for DNAH11-related condition. Last evaluated: 2020-02-14. Review status: no assertion criteria provided. Collection method: clinical testing. Allele origin: germline. Not counted in ClinVar's aggregate classification.
Comment: This variant is classified as likely benign based on ACMG/AMP sequence variant interpretation guidelines (Richards et al. 2015 PMID: 25741868, with internal and published modifications).

NM_001277115.2(DNAH11):c.8798-4G>A

Gene: DNAH11 (dynein axonemal heavy chain 11; plus strand). Cytogenetic location: 7p15.3.
Variant type: single nucleotide variant.
Coding change: c.8798-4G>A on transcript NM_001277115.2 (MANE Select); 4 bases into the intron before coding-DNA position 8798, G replaced by A.
Molecular consequence: intron variant.
Genome position (GRCh38, 1-based): chr7:21,750,218, G>A. VCF-style: chr7-21750218-G-A. GRCh37 (hg19) VCF-style: chr7-21789836-G-A.
Identifiers: ClinVar variation 696687 (VCV000696687.14), dbSNP rs374160369, ClinGen allele CA4181753.